The following is an entry in ClinVar:

ClinVar aggregate classification (germline): Uncertain significance. Review status: criteria provided, multiple submitters, no conflicts (2 of 4 stars). 2 submissions from 2 submitters: Uncertain significance (2). Last evaluated 2025-11-29.

Allele frequency attached by ClinVar (database versions not stated): gnomAD exomes 0.00002; gnomAD 0.00004; TOPMed 0.00024.
gnomAD v4.1: 29 of 1,613,884 alleles (0.0018%); highest among the groups gnomAD compares: African/African-American, 0.025%; no homozygotes.

Submissions (2):

Labcorp Genetics (formerly Invitae), Labcorp
Classification: Uncertain significance. Last evaluated: 2025-11-29. Review status: criteria provided, single submitter. Criteria: Invitae Variant Classification Sherloc (09022015). Collection method: clinical testing. Allele origin: germline.
Comment: This sequence change replaces alanine, which is neutral and non-polar, with threonine, which is neutral and polar, at codon 618 of the SLC27A5 protein (p.Ala618Thr). This variant is present in population databases (rs757763999, gnomAD 0.03%). This variant has not been reported in the literature in individuals affected with SLC27A5-related conditions. ClinVar contains an entry for this variant (Variation ID: 593788). An algorithm developed to predict the effect of missense changes on protein structure and function outputs the following: PolyPhen-2: "Benign". The threonine amino acid residue is found in multiple mammalian species, which suggests that this missense change does not adversely affect protein function. In summary, the available evidence is currently insufficient to determine the role of this variant in disease. Therefore, it has been classified as a Variant of Uncertain Significance.

Eurofins Ntd Llc (ga)
Classification: Uncertain significance. Last evaluated: 2017-09-08. Review status: criteria provided, single submitter. Criteria: EGL Classification Definitions 2015. Collection method: clinical testing. Allele origin: germline. Observed: 1 variant allele, 1 heterozygote.

NM_012254.3(SLC27A5):c.1852G>A (p.Ala618Thr)

Gene: SLC27A5 (solute carrier family 27 member 5; minus strand). Cytogenetic location: 19q13.43.
Variant type: single nucleotide variant.
Coding change: c.1852G>A on transcript NM_012254.3 (MANE Select); coding-DNA position 1852, G replaced by A.
Protein change: p.Ala618Thr; replaces alanine 618 with threonine.
Molecular consequence: missense variant.
Genome position (GRCh38, 1-based): chr19:58,498,829, C>T on the plus strand (G>A on the coding strand, the complement: SLC27A5 is on the minus strand). VCF-style: chr19-58498829-C-T. GRCh37 (hg19) VCF-style: chr19-59010196-C-T.
Other names: c.1600G>A, p.Ala534Thr (NM_001321196.2); short protein forms A618T, A534T.
Identifiers: ClinVar variation 593788 (VCV000593788.6), dbSNP rs757763999, ClinGen allele CA9717798.